The following is an entry in ClinVar:

ClinVar aggregate classification (germline): Uncertain significance (1 of 4 stars; one submission).

Submission:

GeneDx
Classification: Uncertain significance. Last evaluated: 2023-11-03. Review status: criteria provided, single submitter. Criteria: GeneDx Variant Classification Process June 2021. Collection method: clinical testing. Allele origin: germline. Affected: yes.
Comment: Not observed at significant frequency in large population cohorts (gnomAD); In-frame deletion of six amino acids and insertion of two amino acids in a non-repeat region; In silico analysis supports that this variant does not alter protein structure/function; Has not been previously published as pathogenic or benign to our knowledge

NM_006267.5(RANBP2):c.7460_7474delinsCAG (p.Asp2487_Thr2492delinsAlaAla)

Gene: RANBP2 (RAN binding protein 2; plus strand). Cytogenetic location: 2q13.
Variant type: Indel.
Coding change: c.7460_7474delinsCAG on transcript NM_006267.5 (MANE Select); coding-DNA positions 7460 to 7474, ATGTAGCAGATGCAA replaced by CAG.
Protein change: p.Asp2487_Thr2492delinsAlaAla.
Molecular consequence: inframe indel.
Genome position (GRCh38, 1-based): chr2:108,767,999-108,768,013, ATGTAGCAGATGCAA replaced by CAG. VCF-style: chr2-108767999-ATGTAGCAGATGCAA-CAG. GRCh37 (hg19) VCF-style: chr2-109384455-ATGTAGCAGATGCAA-CAG.
Other names: c.7460_7474delinsCAG, p.Asp2487_Thr2492delinsAlaAla (NM_001415871.1, NM_001415873.1); c.7457_7471delinsCAG, p.Asp2486_Thr2491delinsAlaAla (NM_001415872.1).
Identifiers: ClinVar variation 3363859 (VCV003363859.1).